The following is an entry in ClinVar:

NM_000156.6(GAMT):c.350G>A (p.Trp117Ter)

Gene: GAMT (guanidinoacetate N-methyltransferase; minus strand). Cytogenetic location: 19p13.3.
Variant type: single nucleotide variant.
Coding change: c.350G>A on transcript NM_000156.6 (MANE Select); coding-DNA position 350, G replaced by A.
Protein change: p.Trp117Ter; replaces tryptophan 117 with a stop codon.
Molecular consequence: nonsense.
Genome position (GRCh38, 1-based): chr19:1,399,565, C>T on the plus strand (G>A on the coding strand, the complement: GAMT is on the minus strand). VCF-style: chr19-1399565-C-T. GRCh37 (hg19) VCF-style: chr19-1399564-C-T.
Other names: c.350G>A, p.Trp117Ter (NM_138924.3); short protein forms W117*.
Identifiers: ClinVar variation 1460109 (VCV001460109.7), dbSNP rs2144637546, ClinGen allele CA402995770.
Genomic context (GRCh38, chr19:1,399,565, plus strand): 5'-ACGTCCCCTCACCCCTCACCATCAAAGTGACCGTCAGGCAGGGTGGGTGCCACATCCTCC[C>T]ACAGGCCTTTCAAGGGGATGACCTTGCAGAGGGGAAAAGAAAAAGAGAGGACAGGGTAGA-3'

ClinVar aggregate classification (germline): Pathogenic/Likely pathogenic. Review status: criteria provided, multiple submitters, no conflicts (2 of 4 stars). 2 submissions from 2 submitters: Pathogenic (1); Likely pathogenic (1). Last evaluated 2021-12-06.

Conditions:
Cerebral creatine deficiency syndrome. Also called: Creatine deficiency syndromes. Identifiers: Orphanet 79172, MedGen C5244016, MONDO:0000456.
Deficiency of guanidinoacetate methyltransferase (CCDS2). Also called: GAMT DEFICIENCY; CEREBRAL CREATINE DEFICIENCY SYNDROME 2; Guanidinoacetate Methyltransferase (GAMT) Deficiency. Identifiers: Orphanet 382, MedGen C0574080, MONDO:0012999, OMIM 612736.

Allele frequency attached by ClinVar (database versions not stated): gnomAD exomes below 0.00001.
gnomAD v4.1: 1 of 1,613,216 alleles (0.000062%); highest among the groups gnomAD compares: Non-Finnish European, 0.000085%; no homozygotes.

Submissions (2):

Baylor Genetics
Classification: Likely pathogenic for Deficiency of guanidinoacetate methyltransferase. Last evaluated: 2021-12-06. Review status: criteria provided, single submitter. Criteria: ACMG Guidelines, 2015. Collection method: clinical testing. Allele origin: unknown.

Labcorp Genetics (formerly Invitae), Labcorp
Classification: Pathogenic for Cerebral creatine deficiency syndrome. Last evaluated: 2021-08-12. Review status: criteria provided, single submitter. Criteria: Invitae Variant Classification Sherloc (09022015). Collection method: clinical testing. Allele origin: germline.
Comment: For these reasons, this variant has been classified as Pathogenic. This variant has not been reported in the literature in individuals affected with GAMT-related conditions. This variant is not present in population databases (ExAC no frequency). This sequence change creates a premature translational stop signal (p.Trp117*) in the GAMT gene. It is expected to result in an absent or disrupted protein product. Loss-of-function variants in GAMT are known to be pathogenic (PMID: 15108290).

Literature cited by the submitters: PubMed 15108290 (cited by Labcorp Genetics (formerly Invitae), Labcorp).